The following is an entry in ClinVar:

ClinVar aggregate classification (germline): Likely benign. Review status: criteria provided, multiple submitters, no conflicts (2 of 4 stars). 3 submissions from 3 submitters: Likely benign (2). 1 of the submissions does not count toward it. Last evaluated 2026-01-17.

Conditions:
CTDP1-related disorder. Also called: CTDP1-related condition.

Allele frequency attached by ClinVar (database versions not stated): TOPMed 0.00017; gnomAD 0.00018; ExAC 0.00019; ESP Exome Variant Server 0.00031.
gnomAD v4.1: 493 of 1,613,878 alleles (0.031%); highest among the groups gnomAD compares: Non-Finnish European, 0.037%; no homozygotes.

Submissions (3):

Labcorp Genetics (formerly Invitae), Labcorp
Classification: Likely benign. Last evaluated: 2026-01-17. Review status: criteria provided, single submitter. Criteria: Invitae Variant Classification Sherloc (09022015). Collection method: clinical testing. Allele origin: germline.

CeGaT Center for Human Genetics Tuebingen
Classification: Likely benign. Last evaluated: 2023-10-01. Review status: criteria provided, single submitter. Criteria: CeGaT Center For Human Genetics Tuebingen Variant Classification Criteria Version 2. Collection method: clinical testing. Allele origin: germline. Affected: yes. Observed: 2 variant alleles.
Comment: CTDP1: BP4, BP7

PreventionGenetics, part of Exact Sciences
Classification: Likely benign for CTDP1-related condition. Last evaluated: 2019-08-13. Review status: no assertion criteria provided. Collection method: clinical testing. Allele origin: germline. Not counted in ClinVar's aggregate classification.
Comment: This variant is classified as likely benign based on ACMG/AMP sequence variant interpretation guidelines (Richards et al. 2015 PMID: 25741868, with internal and published modifications).

NM_004715.5(CTDP1):c.2421G>A (p.Ala807=)

Gene: CTDP1 (CTD phosphatase 1; plus strand). Cytogenetic location: 18q23.
Variant type: single nucleotide variant.
Coding change: c.2421G>A on transcript NM_004715.5 (MANE Select); coding-DNA position 2421, G replaced by A.
Protein change: p.Ala807=; no amino-acid change (alanine 807 retained).
Molecular consequence: synonymous variant. On other transcripts: intron variant (1).
Genome position (GRCh38, 1-based): chr18:79,728,910, G>A. VCF-style: chr18-79728910-G-A. GRCh37 (hg19) VCF-style: chr18-77488910-G-A.
Other names: c.2064G>A, p.Ala688= (NM_001202504.1); c.2421G>A, p.Ala807= (NM_001318511.2); c.2418-7445G>A (NM_048368.4).
Identifiers: ClinVar variation 2155978 (VCV002155978.29), dbSNP rs372171375, ClinGen allele CA9010606.
Genomic context (GRCh38, chr18:79,728,910, plus strand): 5'-GGAAAAGTGCCATTCGAACTGACCTTCCTCATGTGGGACCTATGAAATTCCTTTCAGAGC[G>A]GTTCCGCCACCCCAGCCGCAGATGTTTGGTGAAGAGCTGCCTGACGCTCAGGACGGAGAG-3'
Protein context (NP_004706.3, residues 797-817): PIRQEPSSFR[Ala807=]VPPPQPQMFG